The following is an entry in ClinVar:

NM_001130438.3(SPTAN1):c.1085+4C>T

Gene: SPTAN1 (spectrin alpha, non-erythrocytic 1; plus strand). Cytogenetic location: 9q34.11.
Variant type: single nucleotide variant.
Coding change: c.1085+4C>T on transcript NM_001130438.3 (MANE Select); 4 bases into the intron after coding-DNA position 1085, C replaced by T.
Molecular consequence: intron variant.
Genome position (GRCh38, 1-based): chr9:128,577,510, C>T. VCF-style: chr9-128577510-C-T. GRCh37 (hg19) VCF-style: chr9-131339789-C-T.
Other names: c.1121+4C>T (NM_001375318.1, NM_001375312.2); c.1085+4C>T (NM_001375311.2, NM_001375314.2, NM_001375310.1 and 5 more transcripts).
Identifiers: ClinVar variation 1787374 (VCV001787374.3), dbSNP rs778684585, ClinGen allele CA5264298.

ClinVar aggregate classification (germline): Uncertain significance. Review status: criteria provided, multiple submitters, no conflicts (2 of 4 stars). 2 submissions from 2 submitters: Uncertain significance (2). Last evaluated 2022-11-03.

Conditions:
Inborn genetic diseases. Identifiers: MedGen C0950123, MeSH D030342.

Allele frequency attached by ClinVar (database versions not stated): ExAC 0.00001; gnomAD exomes 0.00001; TOPMed 0.00001.
gnomAD v4.1: 8 of 1,613,472 alleles (0.0005%); highest among the groups gnomAD compares: Admixed American, 0.01%; no homozygotes.

Submissions (2):

Women's Health and Genetics/Laboratory Corporation of America, LabCorp
Classification: Uncertain significance. Last evaluated: 2022-11-03. Review status: criteria provided, single submitter. Criteria: LabCorp Variant Classification Summary - May 2015. Collection method: clinical testing. Allele origin: germline.
Comment: Variant summary: SPTAN1 c.1085+4C>T alters a non-conserved nucleotide located close to a canonical splice site and therefore could affect mRNA splicing, leading to a significantly altered protein sequence. Several computational tools predict a significant impact on normal splicing: One predicts the variant abolishes the canonical 5' splicing donor site and two predict the variant weakens the 5' donor site. These predictions have yet to be confirmed by functional studies. The variant allele was found at a frequency of 1.6e-05 in 249984 control chromosomes (gnomAD). The available data on variant occurrences in the general population are insufficient to allow any conclusion about variant significance. To our knowledge, no occurrence of c.1085+4C>T in individuals affected with Early Infantile Epileptic Encephalopathy, and no experimental evidence demonstrating its impact on protein function have been reported. No clinical diagnostic laboratories have submitted clinical-significance assessments for this variant to ClinVar after 2014. Based on the evidence outlined above, the variant was classified as uncertain significance.

Ambry Genetics
Classification: Uncertain significance for Inborn genetic diseases. Last evaluated: 2018-12-07. Review status: criteria provided, single submitter. Criteria: Ambry Variant Classification Scheme 2023. Collection method: clinical testing. Allele origin: germline.
Comment: The c.1085+4C>T intronic variant results from a C to T substitution 4 nucleotides after coding exon 7 in the SPTAN1 gene. This nucleotide position is not well conserved in available vertebrate species. Using two different splice site prediction tools, this alteration is predicted by BDGP to weaken the efficiency of the native splice donor site, but is not predicted to have a deleterious effect on this splice donor site by ESEfinder; however, direct evidence is unavailable. Since supporting evidence is limited at this time, the clinical significance of this alteration remains unclear.